The following is an entry in ClinVar:

NM_001887.4(CRYBB1):c.281T>A (p.Ile94Asn)

Genes: CRYBB1 (crystallin beta B1; minus strand), CRYBA4 (crystallin beta A4; plus strand). Cytogenetic location: 22q12.1.
Variant type: single nucleotide variant.
Coding change: c.281T>A on transcript NM_001887.4 (MANE Select); coding-DNA position 281, T replaced by A.
Protein change: p.Ile94Asn; replaces isoleucine 94 with asparagine.
Molecular consequence: missense variant.
Genome position (GRCh38, 1-based): chr22:26,612,090, A>T on the plus strand (T>A on the coding strand, the complement: CRYBB1 is on the minus strand). VCF-style: chr22-26612090-A-T. GRCh37 (hg19) VCF-style: chr22-27008054-A-T.
Other names: short protein forms I94N.
Identifiers: ClinVar variation 1065594 (VCV001065594.1), dbSNP rs2145968864, ClinGen allele CA411032610.

ClinVar aggregate classification (germline): Uncertain significance (0 of 4 stars; one submission).

Conditions:
Developmental cataract. Also called: Congenital cataracts; Bilateral cataracts; Congenital cataract. Identifiers: MedGen C0009691, HP:0000519.

Submission:

Dept. Genetics and Cancer, Menzies Institute for Medical Research, University of Tasmania
Classification: Uncertain significance for Developmental cataract. Last evaluated: 2021-05-01. Review status: no assertion criteria provided. Criteria: ACMG Guidelines, 2015. Collection method: research. Allele origin: germline. Affected: yes.
Comment: PM2, PP3. Absent/near absent from population databases and multiple predictive tools assessing variant as damaging/pathogenic.